The following is an entry in ClinVar:

NM_016138.5(COQ7):c.1A>C (p.Met1Leu)

Genes: COQ7 (coenzyme Q7, hydroxylase; plus strand), COQ7-DT (COQ7 divergent transcript; minus strand), LOC130058587 (ATAC-STARR-seq lymphoblastoid silent region 7240; plus strand). Cytogenetic location: 16p12.3.
Variant type: single nucleotide variant.
Coding change: c.1A>C on transcript NM_016138.5 (MANE Select); coding-DNA position 1, A replaced by C.
Protein change: p.Met1Leu; changes the start codon (methionine 1).
Molecular consequence: missense variant, initiator codon variant. On other transcripts: non-coding transcript variant (5).
Genome position (GRCh38, 1-based): chr16:19,067,665, A>C. VCF-style: chr16-19067665-A-C. GRCh37 (hg19) VCF-style: chr16-19078987-A-C.
Other names: c.1A>C, p.Met1Leu (NM_001370490.1); short protein forms M1L.
Identifiers: ClinVar variation 2573010 (VCV002573010.2), dbSNP rs1436765596, ClinGen allele CA394916942.

ClinVar aggregate classification (germline): Likely pathogenic (1 of 4 stars; one submission).

Conditions:
Primary coenzyme Q10 deficiency 8. Identifiers: MedGen C4225226, MONDO:0014754, OMIM 616733.

Submission:

Illumina Laboratory Services, Illumina
Classification: Likely pathogenic for Primary coenzyme Q10 deficiency 8. Last evaluated: 2023-05-06. Review status: criteria provided, single submitter. Criteria: ICSLVariantClassificationCriteria RUGD 01 April 2020. Collection method: clinical testing. Allele origin: unknown.
Comment: The COQ7 c.1A>C (p.?) is a start loss variant. The resultant protein is described as p.? to denote that whether the loss prevents all protein translation or causes abnormal protein formation from an alternate start codon is unknown. While the c.1A>C variant has not been reported in the peer-reviewed literature, two other variants leading to a similar protein change c.3G>T (p.?) and c.1A>G (p.?) have been reported in a homozygous state in six individuals from two families affected by distal hereditary motor neuropathy (PMID: 36454683, 37077559). The c.1A>C variant has not been observed in version 2.1.1 or version 3.1.2 of the Genome Aggregation Database. Based on the available evidence, the c.1A>C (p.?) variant is classified as likely pathogenic for primary coenzyme Q10 deficiency.

Literature cited by the submitters: PubMed 36454683; PubMed 37077559.